The following is an entry in ClinVar:

NM_001267550.2(TTN):c.43747+5G>A

Gene: TTN (titin; minus strand). Cytogenetic location: 2q31.2.
Variant type: single nucleotide variant.
Coding change: c.43747+5G>A on transcript NM_001267550.2 (MANE Select); 5 bases into the intron after coding-DNA position 43747, G replaced by A.
Molecular consequence: intron variant.
Genome position (GRCh38, 1-based): chr2:178,632,142, C>T on the plus strand (G>A on the coding strand, the complement: TTN is on the minus strand). VCF-style: chr2-178632142-C-T. GRCh37 (hg19) VCF-style: chr2-179496869-C-T.
Other names: c.16552+5G>A (NM_003319.4); c.17128+5G>A (NM_133437.4); c.16927+5G>A (NM_133432.3); c.36043+5G>A (NM_133378.4); c.38824+5G>A (NM_001256850.1).
Identifiers: ClinVar variation 1375728 (VCV001375728.8), dbSNP rs878854308, ClinGen allele CA2573133791.

ClinVar aggregate classification (germline): Uncertain significance (1 of 4 stars; one submission).

Conditions:
Dilated cardiomyopathy 1G (CMD1G). Identifiers: Orphanet 154, MedGen C1858763, MONDO:0011400, OMIM 604145.
Autosomal recessive limb-girdle muscular dystrophy type 2J (LGMDR10). Also called: MUSCULAR DYSTROPHY, LIMB-GIRDLE, AUTOSOMAL RECESSIVE 10; Limb-girdle muscular dystrophy, type 2J. Identifiers: Orphanet 140922, MedGen C1837342, MONDO:0012127, OMIM 608807.

Submission:

Labcorp Genetics (formerly Invitae), Labcorp
Classification: Uncertain significance for Dilated cardiomyopathy 1G; Autosomal recessive limb-girdle muscular dystrophy type 2J. Last evaluated: 2021-02-25. Review status: criteria provided, single submitter. Criteria: Invitae Variant Classification Sherloc (09022015). Collection method: clinical testing. Allele origin: germline.
Comment: This variant is located in the I band of TTN (PMID: 25589632). Variants in this region may be clinically relevant, but have not been definitively shown to cause cardiomyopathy or neuromuscular disease (PMID: 27493940, 32778822). In summary, the available evidence is currently insufficient to determine the role of this variant in disease. Therefore, it has been classified as a Variant of Uncertain Significance. Nucleotide substitutions within the consensus splice site are a relatively common cause of aberrant splicing (PMID: 17576681, 9536098). Algorithms developed to predict the effect of sequence changes on RNA splicing suggest that this variant may disrupt the consensus splice site, but this prediction has not been confirmed by published transcriptional studies. This variant has not been reported in the literature in individuals with TTN-related conditions. This variant is not present in population databases (ExAC no frequency). This sequence change falls in intron 236 of the TTN gene. It does not directly change the encoded amino acid sequence of the TTN protein. It affects a nucleotide within the consensus splice site of the intron.

Literature cited by the submitters: PubMed 25589632; PubMed 27493940; PubMed 32778822; PubMed 17576681; PubMed 9536098.